The following is an entry in ClinVar:

NM_033419.5(PGAP3):c.704A>G (p.Asn235Ser)

Gene: PGAP3 (post-GPI attachment to proteins phospholipase 3; minus strand). Cytogenetic location: 17q12.
Variant type: single nucleotide variant.
Coding change: c.704A>G on transcript NM_033419.5 (MANE Select); coding-DNA position 704, A replaced by G.
Protein change: p.Asn235Ser; replaces asparagine 235 with serine.
Molecular consequence: missense variant. On other transcripts: intron variant (3).
Genome position (GRCh38, 1-based): chr17:39,673,246, T>C on the plus strand (A>G on the coding strand, the complement: PGAP3 is on the minus strand). VCF-style: chr17-39673246-T-C. GRCh37 (hg19) VCF-style: chr17-37829499-T-C.
Other names: c.551A>G, p.Asn184Ser (NM_001291726.2); c.641A>G, p.Asn214Ser (NM_001291728.2); c.433-380A>G (NM_001291733.2); c.495-380A>G (NM_001291732.2); c.558-380A>G (NM_001291730.2); short protein forms N235S, N184S, N214S.
Identifiers: ClinVar variation 1925614 (VCV001925614.5), dbSNP rs758972250, ClinGen allele CA8533255.

ClinVar aggregate classification (germline): Uncertain significance (1 of 4 stars; one submission).

Allele frequency attached by ClinVar (database versions not stated): gnomAD exomes 0.00001; gnomAD 0.00002; TOPMed 0.00002; ExAC 0.00004.
gnomAD v4.1: 6 of 1,559,616 alleles (0.00038%); highest among the groups gnomAD compares: African/African-American, 0.0055%; no homozygotes.

Submission:

Labcorp Genetics (formerly Invitae), Labcorp
Classification: Uncertain significance. Last evaluated: 2022-07-24. Review status: criteria provided, single submitter. Criteria: Invitae Variant Classification Sherloc (09022015). Collection method: clinical testing. Allele origin: germline.
Comment: In summary, the available evidence is currently insufficient to determine the role of this variant in disease. Therefore, it has been classified as a Variant of Uncertain Significance. Algorithms developed to predict the effect of missense changes on protein structure and function are either unavailable or do not agree on the potential impact of this missense change (SIFT: "Tolerated"; PolyPhen-2: "Probably Damaging"; Align-GVGD: "Class C0"). This variant has not been reported in the literature in individuals affected with PGAP3-related conditions. This variant is present in population databases (rs758972250, gnomAD 0.01%). This sequence change replaces asparagine, which is neutral and polar, with serine, which is neutral and polar, at codon 235 of the PGAP3 protein (p.Asn235Ser).